The following is an entry in ClinVar:

NM_198428.3(BBS9):c.2246T>C (p.Val749Ala)

Gene: BBS9 (Bardet-Biedl syndrome 9; plus strand). Cytogenetic location: 7p14.3.
Variant type: single nucleotide variant.
Coding change: c.2246T>C on transcript NM_198428.3 (MANE Select); coding-DNA position 2246, T replaced by C.
Protein change: p.Val749Ala; replaces valine 749 with alanine.
Molecular consequence: missense variant. On other transcripts: non-coding transcript variant (3), intron variant (1).
Genome position (GRCh38, 1-based): chr7:33,505,593, T>C. VCF-style: chr7-33505593-T-C. GRCh37 (hg19) VCF-style: chr7-33545205-T-C.
Other names: c.2141T>C, p.Val714Ala (NM_001033604.2); c.2231T>C, p.Val744Ala (NM_001033605.2); c.2246T>C, p.Val749Ala (NM_001348036.1, NM_001348041.4, NM_001348043.3 and 1 more transcripts); c.1973T>C, p.Val658Ala (NM_001348038.3); c.1868T>C, p.Val623Ala (NM_001348039.3); c.2126T>C, p.Val709Ala (NM_001348040.3, NM_014451.4); c.2111T>C, p.Val704Ala (NM_001348042.3); c.1775T>C, p.Val592Ala (NM_001348044.3); and 2 more; short protein forms V592A, V627A, V704A, V714A, V658A, V744A, V749A, V623A.
Identifiers: ClinVar variation 4997384 (VCV004997384.1).
Genomic context (GRCh38, chr7:33,505,593, plus strand): 5'-GTGCCACCCATTTGGTGATTCTGCTGATCGCGCTGTGGCAGAAGCTTAGTGCTGACCAGG[T>C]TGCTATTCTGGAAGCGGCATTTCTGCCGCTACAAGAAGACACTCAAGAATTGGTAAGGAC-3'
Protein context (NP_940820.1, residues 739-759): ALWQKLSADQ[Val749Ala]AILEAAFLPL

ClinVar aggregate classification (germline): Uncertain significance (1 of 4 stars; one submission).

Conditions:
BBS9-related disorder. Also called: BBS9-related condition.

Submission:

PreventionGenetics, part of Exact Sciences
Classification: Uncertain significance for BBS9-related condition. Last evaluated: 2025-05-06. Review status: criteria provided, single submitter. Criteria: ACMG Guidelines, 2015. Collection method: clinical testing. Allele origin: germline.
Comment: The BBS9 c.2246T>C variant is predicted to result in the amino acid substitution p.Val749Ala. To our knowledge, this variant has not been reported in the literature or in a large population database (gnomAD), indicating this variant is rare. At this time, the clinical significance of this variant is uncertain due to the absence of conclusive functional and genetic evidence.